The following is an entry in ClinVar:

ClinVar aggregate classification (germline): Conflicting classifications of pathogenicity. Review status: criteria provided, conflicting classifications (1 of 4 stars). 4 submissions from 4 submitters: Uncertain significance (1); Benign (1); Likely benign (2). Last evaluated 2025-10-14.

Conditions:
Hereditary cancer-predisposing syndrome. Also called: Tumor predisposition; Neoplastic Syndromes, Hereditary; Hereditary Cancer Syndrome; Hereditary neoplastic syndrome. Identifiers: Orphanet 140162, MedGen C0027672, MeSH D009386, MONDO:0015356.
Oligodontia-cancer predisposition syndrome. Also called: TOOTH AGENESIS-COLORECTAL CANCER SYNDROME. Identifiers: Orphanet 300576, MedGen C1837750, MONDO:0012075, OMIM 608615. Disease mechanism: loss of function.

gnomAD v4.1: 1 of 1,614,262 alleles (0.000062%); highest among the groups gnomAD compares: Non-Finnish European, 0.000085%; no homozygotes.

Submissions (4):

Quest Diagnostics Nichols Institute San Juan Capistrano
Classification: Uncertain significance. Last evaluated: 2025-10-14. Review status: criteria provided, single submitter. Criteria: Quest Diagnostics criteria. Collection method: clinical testing. Allele origin: unknown.
Comment: The AXIN2 c.1179G>A (p.Glu393=) synonymous variant has not been reported in individuals with AXIN2-related conditions in the published literature. This variant has not been reported in large, multi-ethnic general populations (Genome Aggregation Database). Analysis of this variant using software algorithms for the prediction of the effect of nucleotide changes on splicing yielded predictions that this variant does not affect AXIN2 mRNA splicing. Based on the available information, we are unable to determine the clinical significance of this variant.

Myriad Genetics, Inc.
Classification: Benign for Oligodontia-cancer predisposition syndrome. Last evaluated: 2024-07-01. Review status: criteria provided, single submitter. Criteria: Myriad Autosomal Dominant, Autosomal Recessive and X-Linked Classification Criteria (2023). Collection method: clinical testing. Allele origin: unknown.
Comment: This variant is considered benign. This variant is a silent/synonymous amino acid change and it is not expected to impact splicing.

Labcorp Genetics (formerly Invitae), Labcorp
Classification: Likely benign for Oligodontia-cancer predisposition syndrome. Last evaluated: 2023-03-18. Review status: criteria provided, single submitter. Criteria: Invitae Variant Classification Sherloc (09022015). Collection method: clinical testing. Allele origin: germline.

Ambry Genetics
Classification: Likely benign for Hereditary cancer-predisposing syndrome. Last evaluated: 2019-06-09. Review status: criteria provided, single submitter. Criteria: Ambry Variant Classification Scheme 2023. Collection method: clinical testing. Allele origin: germline.

NM_004655.4(AXIN2):c.1179G>A (p.Glu393=)

Gene: AXIN2 (axin 2; minus strand). Cytogenetic location: 17q24.1.
Variant type: single nucleotide variant.
Coding change: c.1179G>A on transcript NM_004655.4 (MANE Select); coding-DNA position 1179, G replaced by A.
Protein change: p.Glu393=; no amino-acid change (glutamic acid 393 retained).
Molecular consequence: synonymous variant.
Genome position (GRCh38, 1-based): chr17:65,538,224, C>T on the plus strand (G>A on the coding strand, the complement: AXIN2 is on the minus strand). VCF-style: chr17-65538224-C-T. GRCh37 (hg19) VCF-style: chr17-63534342-C-T.
Other names: c.1179G>A, p.Glu393= (NM_001363813.1).
Identifiers: ClinVar variation 1107011 (VCV001107011.13), dbSNP rs922684515, ClinGen allele CA293098930.